The following is an entry in ClinVar:

ClinVar aggregate classification (germline): Benign/Likely benign. Review status: criteria provided, multiple submitters, no conflicts (2 of 4 stars). 4 submissions from 4 submitters: Benign (2); Likely benign (2). Last evaluated 2026-01-01.

Allele frequency attached by ClinVar (database versions not stated): 1000 Genomes Project 30x 0.00031; 1000 Genomes Project 0.00040; ExAC 0.00141; gnomAD exomes 0.00150 and 0.00249; gnomAD 0.00159 and 0.00165; TOPMed 0.00168; ESP Exome Variant Server 0.00208.
gnomAD v4.1: 3,818 of 1,614,200 alleles (0.24%); highest among the groups gnomAD compares: Non-Finnish European, 0.3%; 5 homozygotes.

Submissions (4):

CeGaT Center for Human Genetics Tuebingen
Classification: Likely benign. Last evaluated: 2026-01-01. Review status: criteria provided, single submitter. Criteria: CeGaT Center For Human Genetics Tuebingen Variant Classification Criteria Version 2. Collection method: clinical testing. Allele origin: germline. Affected: yes. Observed: 7 variant alleles.
Comment: TUBG1: BP4, BP7

Labcorp Genetics (formerly Invitae), Labcorp
Classification: Benign. Last evaluated: 2025-12-22. Review status: criteria provided, single submitter. Criteria: Invitae Variant Classification Sherloc (09022015). Collection method: clinical testing. Allele origin: germline.

Blueprint Genetics
Classification: Likely benign. Last evaluated: 2024-11-22. Review status: criteria provided, single submitter. Criteria: ACMG Guidelines, 2015. Collection method: clinical testing. Allele origin: germline.

GeneDx
Classification: Benign. Last evaluated: 2019-04-10. Review status: criteria provided, single submitter. Criteria: GeneDx Variant Classification Process June 2021. Collection method: clinical testing. Allele origin: germline. Affected: yes.

NM_001070.5(TUBG1):c.1275G>A (p.Arg425=)

Gene: TUBG1 (tubulin gamma 1; plus strand). Cytogenetic location: 17q21.2.
Variant type: single nucleotide variant.
Coding change: c.1275G>A on transcript NM_001070.5 (MANE Select); coding-DNA position 1275, G replaced by A.
Protein change: p.Arg425=; no amino-acid change (arginine 425 retained).
Molecular consequence: synonymous variant.
Genome position (GRCh38, 1-based): chr17:42,614,960, G>A. VCF-style: chr17-42614960-G-A. GRCh37 (hg19) VCF-style: chr17-40766978-G-A.
Identifiers: ClinVar variation 385686 (VCV000385686.39), dbSNP rs11538914, ClinGen allele CA8580099.
Genomic context (GRCh38, chr17:42,614,960, plus strand): 5'-GGAGCAGTTCCGCAAGGAGGACATGTTCAAGGACAACTTTGATGAGATGGACACATCCAG[G>A]GAGATTGTGCAGCAGCTCATCGATGAGTACCATGCGGCCACACGGCCAGACTACATCTCC-3'
Protein context (NP_001061.2, residues 415-435): KDNFDEMDTS[Arg425=]EIVQQLIDEY